The following is an entry in ClinVar:

ClinVar aggregate classification (germline): Conflicting classifications of pathogenicity. Review status: criteria provided, conflicting classifications (1 of 4 stars). 2 submissions from 2 submitters: Uncertain significance (1); Likely benign (1). Last evaluated 2025-10-27.

Submissions (2):

Labcorp Genetics (formerly Invitae), Labcorp
Classification: Uncertain significance. Last evaluated: 2025-10-27. Review status: criteria provided, single submitter. Criteria: Invitae Variant Classification Sherloc (09022015). Collection method: clinical testing. Allele origin: germline.
Comment: This variant, c.649_651del, results in the deletion of 1 amino acid(s) of the BRD4 protein (p.Pro217del), but otherwise preserves the integrity of the reading frame. This variant is present in population databases (rs749338434, gnomAD 0.002%). This variant has been observed in individual(s) with clinical features of BRD4-related conditions (PMID: 35982159). Experimental studies and prediction algorithms are not available or were not evaluated, and the functional significance of this variant is currently unknown. In summary, the available evidence is currently insufficient to determine the role of this variant in disease. Therefore, it has been classified as a Variant of Uncertain Significance.

CeGaT Center for Human Genetics Tuebingen
Classification: Likely benign. Last evaluated: 2023-08-01. Review status: criteria provided, single submitter. Criteria: CeGaT Center For Human Genetics Tuebingen Variant Classification Criteria Version 2. Collection method: clinical testing. Allele origin: germline. Affected: yes. Observed: 1 variant allele.
Comment: BRD4: BS2

Literature cited by the submitters: PubMed 35982159 (cited by Labcorp Genetics (formerly Invitae), Labcorp).

NM_001379291.1(BRD4):c.643CCT[2] (p.Pro217del)

Gene: BRD4 (bromodomain containing 4; minus strand). Cytogenetic location: 19p13.12.
Variant type: Microsatellite.
Coding change: c.643CCT[2] on transcript NM_001379291.1 (MANE Select); two copies in a row of the 3-base unit CCT starting at c.643; the reference has three copies in a row; one copy, 3 bases deleted.
Protein change: p.Pro217del; deletes proline 217.
Molecular consequence: inframe deletion.
Genome position (GRCh38, 1-based): chr19:15,265,552-15,265,554, AGG deleted on the plus strand (CCT on the coding strand, the reverse complement: BRD4 is on the minus strand); deleting any 3 consecutive bases within chr19:15,265,552-15,265,561 gives the same sequence; the position shown is the placement nearest the transcript's 3' end. VCF-style (leftmost placement, unchanged base first): chr19-15265551-CAGG-C. GRCh37 (hg19) VCF-style: chr19-15376362-CAGG-C.
Other names: c.643CCT[2], p.Pro217del (NM_001330384.2, NM_001379292.1, NM_014299.3 and 1 more transcripts); short protein forms P217del.
Identifiers: ClinVar variation 2085295 (VCV002085295.28), dbSNP rs749338434, ClinGen allele CA9265576.